The following is an entry in ClinVar:

ClinVar aggregate classification (germline): Uncertain significance (1 of 4 stars; one submission).

Conditions:
Encephalopathy, acute, infection-induced (herpes-specific), susceptibility to, 6. Also called: Herpes simplex encephalitis, susceptibility to, 4. Identifiers: Orphanet 1930, MedGen C3553869, MONDO:0013921, OMIM 614850.

Allele frequency attached by ClinVar (database versions not stated): gnomAD exomes 0.00001.
gnomAD v4.1: 4 of 1,612,708 alleles (0.00025%); highest among the groups gnomAD compares: Non-Finnish European, 0.00034%; no homozygotes.

Submission:

Labcorp Genetics (formerly Invitae), Labcorp
Classification: Uncertain significance for Encephalopathy, acute, infection-induced (herpes-specific), susceptibility to, 6. Last evaluated: 2024-01-08. Review status: criteria provided, single submitter. Criteria: Invitae Variant Classification Sherloc (09022015). Collection method: clinical testing. Allele origin: germline.
Comment: This sequence change replaces lysine, which is basic and polar, with arginine, which is basic and polar, at codon 22 of the TICAM1 protein (p.Lys22Arg). This variant is not present in population databases (gnomAD no frequency). This variant has not been reported in the literature in individuals affected with TICAM1-related conditions. ClinVar contains an entry for this variant (Variation ID: 936097). Algorithms developed to predict the effect of missense changes on protein structure and function output the following: SIFT: "Not Available"; PolyPhen-2: "Benign"; Align-GVGD: "Not Available". The arginine amino acid residue is found in multiple mammalian species, which suggests that this missense change does not adversely affect protein function. In summary, the available evidence is currently insufficient to determine the role of this variant in disease. Therefore, it has been classified as a Variant of Uncertain Significance.

NM_182919.4(TICAM1):c.65A>G (p.Lys22Arg)

Gene: TICAM1 (TIR domain containing adaptor molecule 1; minus strand). Cytogenetic location: 19p13.3.
Variant type: single nucleotide variant.
Coding change: c.65A>G on transcript NM_182919.4 (MANE Select); coding-DNA position 65, A replaced by G.
Protein change: p.Lys22Arg; replaces lysine 22 with arginine.
Molecular consequence: missense variant.
Genome position (GRCh38, 1-based): chr19:4,818,313, T>C on the plus strand (A>G on the coding strand, the complement: TICAM1 is on the minus strand). VCF-style: chr19-4818313-T-C. GRCh37 (hg19) VCF-style: chr19-4818325-T-C.
Other names: short protein forms K22R.
Identifiers: ClinVar variation 936097 (VCV000936097.5), dbSNP rs2093591434, ClinGen allele CA403493621.